The following is an entry in ClinVar:

NM_001040108.2(MLH3):c.1306A>G (p.Asn436Asp)

Gene: MLH3 (mutL homolog 3; minus strand). Cytogenetic location: 14q24.3.
Variant type: single nucleotide variant.
Coding change: c.1306A>G on transcript NM_001040108.2 (MANE Select); coding-DNA position 1306, A replaced by G.
Protein change: p.Asn436Asp; replaces asparagine 436 with aspartic acid.
Molecular consequence: missense variant.
Genome position (GRCh38, 1-based): chr14:75,048,350, T>C on the plus strand (A>G on the coding strand, the complement: MLH3 is on the minus strand). VCF-style: chr14-75048350-T-C. GRCh37 (hg19) VCF-style: chr14-75515053-T-C.
Other names: c.1306A>G, p.Asn436Asp (NM_014381.3); short protein forms N436D.
Identifiers: ClinVar variation 1057680 (VCV001057680.18), dbSNP rs754824568, ClinGen allele CA7275895.
Genomic context (GRCh38, chr14:75,048,350, plus strand): 5'-GCTCTGTCATTTTGCTATGGCCTGGACCACCTGATTCATAAATGTACAAAAATGCATCAT[T>C]TGTATTTTTTCTGGTAGCTTCTGAATCCCTAGAACTCTGTGTGTTTACGTTTTCTGCAGT-3'
Protein context (NP_001035197.1, residues 426-446): RDSEATRKNT[Asn436Asp]DAFLYIYESG

ClinVar aggregate classification (germline): Conflicting classifications of pathogenicity. Review status: criteria provided, conflicting classifications (1 of 4 stars). 6 submissions from 6 submitters: Uncertain significance (4); Likely benign (1). 1 of the submissions does not count toward it. Last evaluated 2025-11-02.

Conditions:
Colorectal cancer. Also called: Colorectal cancer, somatic; Malignant Colorectal Neoplasm. Identifiers: MedGen C0346629, MONDO:0005575, OMIM 114500.
Endometrial carcinoma. Also called: Endometrial carcinoma, somatic. Identifiers: MedGen C0476089, MONDO:0002447, OMIM 608089, HP:0012114.
Colorectal cancer, hereditary nonpolyposis, type 7. Identifiers: Orphanet 144, MedGen C1858380, MONDO:0013725, OMIM 614385.
MLH3-related disorder. Also called: MLH3-related condition.

Allele frequency attached by ClinVar (database versions not stated): gnomAD exomes below 0.00001 and 0.00002; ExAC 0.00001; gnomAD 0.00001.
gnomAD v4.1: 7 of 1,613,672 alleles (0.00043%); highest among the groups gnomAD compares: East Asian, 0.011%; no homozygotes.

Submissions (6):

Labcorp Genetics (formerly Invitae), Labcorp
Classification: Uncertain significance for Colorectal cancer, hereditary nonpolyposis, type 7. Last evaluated: 2025-11-02. Review status: criteria provided, single submitter. Criteria: Invitae Variant Classification Sherloc (09022015). Collection method: clinical testing. Allele origin: germline.
Comment: This sequence change replaces asparagine, which is neutral and polar, with aspartic acid, which is acidic and polar, at codon 436 of the MLH3 protein (p.Asn436Asp). This variant is present in population databases (rs754824568, gnomAD 0.02%). This variant has not been reported in the literature in individuals affected with MLH3-related conditions. ClinVar contains an entry for this variant (Variation ID: 1057680). An algorithm developed to predict the effect of missense changes on protein structure and function outputs the following: PolyPhen-2: "Benign". The aspartic acid amino acid residue is found in multiple mammalian species, which suggests that this missense change does not adversely affect protein function. In summary, the available evidence is currently insufficient to determine the role of this variant in disease. Therefore, it has been classified as a Variant of Uncertain Significance.

Center for Genomic Medicine, Rigshospitalet, Copenhagen University Hospital
Classification: Uncertain significance. Last evaluated: 2025-03-04. Review status: criteria provided, single submitter. Criteria: ACMG Guidelines, 2015. Collection method: clinical testing. Allele origin: germline.

Ambry Genetics
Classification: Likely benign. Last evaluated: 2024-05-01. Review status: criteria provided, single submitter. Criteria: Ambry Variant Classification Scheme 2023. Collection method: clinical testing. Allele origin: germline.

Fulgent Genetics
Classification: Uncertain significance for Colorectal cancer; Endometrial carcinoma; Colorectal cancer, hereditary nonpolyposis, type 7. Last evaluated: 2024-02-04. Review status: criteria provided, single submitter. Criteria: ACMG Guidelines, 2015. Collection method: clinical testing. Allele origin: germline.

Department of Pathology and Laboratory Medicine, Sinai Health System
Classification: Uncertain significance for Colorectal cancer. Last evaluated: 2022-02-16. Review status: criteria provided, single submitter. Criteria: ACMG Guidelines, 2015. Collection method: clinical testing. Allele origin: germline. Affected: yes.

PreventionGenetics, part of Exact Sciences
Classification: Uncertain significance for MLH3-related condition. Last evaluated: 2023-11-17. Review status: no assertion criteria provided. Collection method: clinical testing. Allele origin: germline. Not counted in ClinVar's aggregate classification.
Comment: The MLH3 c.1306A>G variant is predicted to result in the amino acid substitution p.Asn436Asp. To our knowledge, this variant has not been reported in the literature. This variant is reported in 0.016% of alleles in individuals of East Asian descent in gnomAD. It is interpreted as uncertain significance in ClinVar. At this time, the clinical significance of this variant is uncertain due to the absence of conclusive functional and genetic evidence.